The following is an entry in ClinVar:

NM_007294.4(BRCA1):c.3697A>G (p.Lys1233Glu)

Genes: BRCA1 (BRCA1 DNA repair associated; minus strand), LOC126862571 (BRD4-independent group 4 enhancer GRCh37_chr17:41243136-41244335; plus strand). Cytogenetic location: 17q21.31.
Variant type: single nucleotide variant.
Coding change: c.3697A>G on transcript NM_007294.4 (MANE Select); coding-DNA position 3697, A replaced by G.
Protein change: p.Lys1233Glu; replaces lysine 1233 with glutamic acid.
Molecular consequence: missense variant. On other transcripts: intron variant (135).
Genome position (GRCh38, 1-based): chr17:43,091,834, T>C on the plus strand (A>G on the coding strand, the complement: BRCA1 is on the minus strand). VCF-style: chr17-43091834-T-C. GRCh37 (hg19) VCF-style: chr17-41243851-T-C.
Other names: c.3484A>G, p.Lys1162Glu (NM_001407571.1, NM_001407853.1, NM_001407894.1 and 9 more transcripts); c.3697A>G, p.Lys1233Glu (NM_001407581.1, NM_001407582.1, NM_001407583.1 and 30 more transcripts); c.3694A>G, p.Lys1232Glu (NM_001407587.1, NM_001407590.1, NM_001407591.1 and 22 more transcripts); c.3688A>G, p.Lys1230Glu (NM_001407646.1, NM_001407647.1); c.3574A>G, p.Lys1192Glu (NM_001407648.1, NM_001407664.1, NM_001407665.1 and 19 more transcripts); c.3571A>G, p.Lys1191Glu (NM_001407649.1, NM_001407670.1, NM_001407671.1 and 11 more transcripts); c.3619A>G, p.Lys1207Glu (NM_001407653.1, NM_001407654.1, NM_001407655.1 and 4 more transcripts); c.3616A>G, p.Lys1206Glu (NM_001407659.1, NM_001407660.1, NM_001407661.1 and 1 more transcripts); and 41 more; short protein forms K1122E, K1186E, K1207E, K365E, K937E, K1145E, K1163E, K1166E.
Identifiers: ClinVar variation 1734003 (VCV001734003.4), dbSNP rs774679104, ClinGen allele CA059278.
Genomic context (GRCh38, chr17:43,091,834, plus strand): 5'-ACAGACACTCGGTAGCAACGGTGCTATGCCTAGTAGACTGAGAAGGTATATTGTTTACTT[T>C]ACCAAATAACAAGTGTTGGAAGCAGGGAAGCTCTTCATCCTCACTAGATAAGTTCTCTTC-3'
Protein context (NP_009225.1, residues 1223-1243): LPCFQHLLFG[Lys1233Glu]VNNIPSQSTR

ClinVar aggregate classification (germline): Conflicting classifications of pathogenicity. Review status: criteria provided, conflicting classifications (1 of 4 stars). 2 submissions from 2 submitters: Uncertain significance (1); Likely benign (1). Last evaluated 2023-03-23.

Conditions:
Hereditary cancer-predisposing syndrome. Also called: Neoplastic Syndromes, Hereditary; Tumor predisposition; Hereditary Cancer Syndrome; Hereditary neoplastic syndrome. Identifiers: Orphanet 140162, MedGen C0027672, MeSH D009386, MONDO:0015356.

Allele frequency attached by ClinVar (database versions not stated): gnomAD exomes below 0.00001; ExAC 0.00001.
gnomAD v4.1: 1 of 1,614,224 alleles (0.000062%); highest among the groups gnomAD compares: Non-Finnish European, 0.000085%; no homozygotes.

Submissions (2):

University of Washington Department of Laboratory Medicine, University of Washington
Classification: Likely benign for Hereditary cancer-predisposing syndrome. Last evaluated: 2023-03-23. Review status: criteria provided, single submitter. Criteria: Dines et al. (Genet Med. 2020). Collection method: curation. Allele origin: germline.
Comment: Missense variant in a coldspot region where missense variants are very unlikely to be pathogenic (PMID:31911673).

BRCA1 coldspot (exon 11 using historical exon numbering). Reclassification based on statistical prior probability

Ambry Genetics
Classification: Uncertain significance for Hereditary cancer-predisposing syndrome. Last evaluated: 2021-09-17. Review status: criteria provided, single submitter. Criteria: Ambry Variant Classification Scheme 2023. Collection method: clinical testing. Allele origin: germline.
Comment: The p.K1233E variant (also known as c.3697A>G), located in coding exon 9 of the BRCA1 gene, results from an A to G substitution at nucleotide position 3697. The lysine at codon 1233 is replaced by glutamic acid, an amino acid with similar properties. This amino acid position is conserved. In addition, the in silico prediction for this alteration is inconclusive. Since supporting evidence is limited at this time, the clinical significance of this alteration remains unclear.